The following is an entry in ClinVar:

NM_004370.6(COL12A1):c.3767A>G (p.His1256Arg)

Gene: COL12A1 (collagen type XII alpha 1 chain; minus strand). Cytogenetic location: 6q13.
Variant type: single nucleotide variant.
Coding change: c.3767A>G on transcript NM_004370.6 (MANE Select); coding-DNA position 3767, A replaced by G.
Protein change: p.His1256Arg; replaces histidine 1256 with arginine.
Molecular consequence: missense variant.
Genome position (GRCh38, 1-based): chr6:75,152,199, T>C on the plus strand (A>G on the coding strand, the complement: COL12A1 is on the minus strand). VCF-style: chr6-75152199-T-C. GRCh37 (hg19) VCF-style: chr6-75861915-T-C.
Other names: p.His1256Arg; c.275A>G, p.His92Arg (NM_080645.3); short protein forms H1256R, H92R.
Identifiers: ClinVar variation 970668 (VCV000970668.21), dbSNP rs199692759, ClinGen allele CA3893626.

ClinVar aggregate classification (germline): Conflicting classifications of pathogenicity. Review status: criteria provided, conflicting classifications (1 of 4 stars). 6 submissions from 6 submitters: Uncertain significance (3); Likely benign (2). 1 of the submissions does not count toward it. Last evaluated 2026-01-16.

Conditions:
COL12A1-related disorder. Also called: COL12A1-related condition.
Ullrich congenital muscular dystrophy 2 (UCMD2). Identifiers: Orphanet 75840, MedGen C4225314, MONDO:0014654, OMIM 616470.
Bethlem myopathy 2 (BTHLM2). Identifiers: Orphanet 536516, Orphanet 610, MedGen C4225313, MONDO:0034022, OMIM 616471.
Inborn genetic diseases. Identifiers: MedGen C0950123, MeSH D030342.

Allele frequency attached by ClinVar (database versions not stated): 1000 Genomes Project 30x 0.00031; gnomAD 0.00012; ESP Exome Variant Server 0.00008; TOPMed 0.00018.
gnomAD v4.1: 71 of 1,613,842 alleles (0.0044%); highest among the groups gnomAD compares: African/African-American, 0.024%; no homozygotes.

Submissions (6):

Labcorp Genetics (formerly Invitae), Labcorp
Classification: Likely benign for Bethlem myopathy 2; Ullrich congenital muscular dystrophy 2. Last evaluated: 2026-01-16. Review status: criteria provided, single submitter. Criteria: Invitae Variant Classification Sherloc (09022015). Collection method: clinical testing. Allele origin: germline.

GeneDx
Classification: Uncertain significance. Last evaluated: 2025-12-06. Review status: criteria provided, single submitter. Criteria: GeneDx Variant Classification Process June 2021. Collection method: clinical testing. Allele origin: germline. Affected: yes.
Comment: Has not been previously published as pathogenic or benign to our knowledge; In silico analysis supports that this missense variant has a deleterious effect on protein structure/function

Mayo Clinic Laboratories, Mayo Clinic
Classification: Uncertain significance. Last evaluated: 2025-06-01. Review status: criteria provided, single submitter. Criteria: ACMG Guidelines, 2015. Collection method: clinical testing. Allele origin: germline. Observed: 1 variant allele.

Revvity Omics, Revvity
Classification: Likely benign. Last evaluated: 2024-11-27. Review status: criteria provided, single submitter. Criteria: ACMG Guidelines, 2015. Collection method: clinical testing. Allele origin: germline.

Ambry Genetics
Classification: Uncertain significance for Inborn genetic diseases. Last evaluated: 2023-12-23. Review status: criteria provided, single submitter. Criteria: Ambry Variant Classification Scheme 2023. Collection method: clinical testing. Allele origin: germline.

PreventionGenetics, part of Exact Sciences
Classification: Uncertain significance for COL12A1-related condition. Last evaluated: 2024-06-25. Review status: no assertion criteria provided. Collection method: clinical testing. Allele origin: germline. Not counted in ClinVar's aggregate classification.
Comment: The COL12A1 c.3767A>G variant is predicted to result in the amino acid substitution p.His1256Arg. To our knowledge, this variant has not been reported in the literature. This variant is reported in 0.025% of alleles in individuals of African descent in gnomAD. At this time, the clinical significance of this variant is uncertain due to the absence of conclusive functional and genetic evidence.